The following is an entry in ClinVar:

ClinVar aggregate classification (germline): Uncertain significance (1 of 4 stars; one submission).

Conditions:
Hereditary cancer-predisposing syndrome. Also called: Neoplastic Syndromes, Hereditary; Tumor predisposition; Hereditary Cancer Syndrome; Hereditary neoplastic syndrome. Identifiers: Orphanet 140162, MedGen C0027672, MeSH D009386, MONDO:0015356.

Submission:

Ambry Genetics
Classification: Uncertain significance for Hereditary cancer-predisposing syndrome. Last evaluated: 2021-11-07. Review status: criteria provided, single submitter. Criteria: Ambry Variant Classification Scheme 2023. Collection method: clinical testing. Allele origin: germline.
Comment: The p.I221T variant (also known as c.662T>C), located in coding exon 6 of the SMARCB1 gene, results from a T to C substitution at nucleotide position 662. The isoleucine at codon 221 is replaced by threonine, an amino acid with similar properties. This amino acid position is highly conserved in available vertebrate species. In addition, this alteration is predicted to be deleterious by in silico analysis. Missense and in-frame variants in SMARCB1 are known to cause neurodevelopmental disorders; however, such associations with rhabdoid tumor predisposition syndrome are exceedingly rare (Kosho T et al. Am J Med Genet C Semin Med Genet. 2014 Sep;166C(3):262-75; Eaton KW et al. Pediatr Blood Cancer. 2011 Jan;56(1):7-15). Since supporting evidence is limited at this time, the clinical significance of this alteration remains unclear.

NM_003073.5(SMARCB1):c.662T>C (p.Ile221Thr)

Gene: SMARCB1 (SWI/SNF related BAF chromatin remodeling complex subunit B1; plus strand). Cytogenetic location: 22q11.23.
Variant type: single nucleotide variant.
Coding change: c.662T>C on transcript NM_003073.5 (MANE Select); coding-DNA position 662, T replaced by C.
Protein change: p.Ile221Thr; replaces isoleucine 221 with threonine.
Molecular consequence: missense variant.
Genome position (GRCh38, 1-based): chr22:23,816,803, T>C. VCF-style: chr22-23816803-T-C. GRCh37 (hg19) VCF-style: chr22-24158990-T-C.
Other names: c.635T>C, p.Ile212Thr (NM_001007468.3); c.689T>C, p.Ile230Thr (NM_001317946.2); c.716T>C, p.Ile239Thr (NM_001362877.2); short protein forms I212T, I239T, I221T, I230T.
Identifiers: ClinVar variation 1754572 (VCV001754572.2), dbSNP rs2146009501, ClinGen allele CA410901148.